The following is an entry in ClinVar:

NM_004380.3(CREBBP):c.5944C>A (p.Pro1982Thr)

Gene: CREBBP (CREB binding lysine acetyltransferase; minus strand). Cytogenetic location: 16p13.3.
Variant type: single nucleotide variant.
Coding change: c.5944C>A on transcript NM_004380.3 (MANE Select); coding-DNA position 5944, C replaced by A.
Protein change: p.Pro1982Thr; replaces proline 1982 with threonine.
Molecular consequence: missense variant.
Genome position (GRCh38, 1-based): chr16:3,729,103, G>T on the plus strand (C>A on the coding strand, the complement: CREBBP is on the minus strand). VCF-style: chr16-3729103-G-T. GRCh37 (hg19) VCF-style: chr16-3779104-G-T.
Other names: c.5830C>A, p.Pro1944Thr (NM_001079846.1); short protein forms P1982T, P1944T.
Identifiers: ClinVar variation 451841 (VCV000451841.3), dbSNP rs376149838, ClinGen allele CA394554881.
Genomic context (GRCh38, chr16:3,729,103, plus strand): 5'-CATTCAGGCTCACGGGGGCCATCTGGCTCCCCGGGGTCCCCATGCCCGTGCGTCCTGGGG[G>T]CATGCTGTTGTTGATGTTCACCCGGTACAGGTGCTGCTGCTGCTGGGCCTCACGCTCGAT-3'
Protein context (NP_004371.2, residues 1972-1992): LYRVNINNSM[Pro1982Thr]PGRTGMGTPG

ClinVar aggregate classification (germline): Uncertain significance. Review status: criteria provided, multiple submitters, no conflicts (2 of 4 stars). 2 submissions from 2 submitters: Uncertain significance (2). Last evaluated 2024-12-09.

Conditions:
CREBBP-related disorder. Also called: CREBBP-related disorders; CREBBP-related condition.

Submissions (2):

PreventionGenetics, part of Exact Sciences
Classification: Uncertain significance for CREBBP-related condition. Last evaluated: 2024-12-09. Review status: criteria provided, single submitter. Criteria: ACMG Guidelines, 2015. Collection method: clinical testing. Allele origin: germline.
Comment: The CREBBP c.5944C>A variant is predicted to result in the amino acid substitution p.Pro1982Thr. This variant was reported in two cohorts of individuals with developmental disorder (Supplemental Table 1, Kaplanis et al. 2020. PubMed ID: 33057194; Supplemental Data 3, Zhou et al. 2022. PubMed ID: 35982159). This variant has not been reported in a large population database (gnomAD), indicating this variant is rare. At this time, the clinical significance of this variant is uncertain due to the absence of conclusive functional and genetic evidence.

GeneDx
Classification: Uncertain significance. Last evaluated: 2017-09-15. Review status: criteria provided, single submitter. Criteria: GeneDx Variant Classification (06012015). Collection method: clinical testing. Allele origin: germline. Affected: yes.
Comment: The P1982T variant in the CREBBP gene has not been reported previously as a pathogenic variant, nor as a benign variant, to our knowledge. The P1982T variant is not observed in large population cohorts (Lek et al., 2016; 1000 Genomes Consortium et al., 2015; Exome Variant Server). The P1982T variant is a non-conservative amino acid substitution, which is likely to impact secondary protein structure as these residues differ in polarity, charge, size and/or other properties. This substitution occurs at a position that is conserved in mammals. In silico analysis predicts this variant is probably damaging to the protein structure/function. We interpret P1982T as a variant of uncertain significance.